The following is an entry in ClinVar:

NM_205768.3(ZBTB18):c.901A>G (p.Met301Val)

Gene: ZBTB18 (zinc finger and BTB domain containing 18; plus strand). Cytogenetic location: 1q44.
Variant type: single nucleotide variant.
Coding change: c.901A>G on transcript NM_205768.3 (MANE Select); coding-DNA position 901, A replaced by G.
Protein change: p.Met301Val; replaces methionine 301 with valine.
Molecular consequence: missense variant.
Genome position (GRCh38, 1-based): chr1:244,054,675, A>G. VCF-style: chr1-244054675-A-G. GRCh37 (hg19) VCF-style: chr1-244217977-A-G.
Other names: c.874A>G, p.Met292Val (NM_001278196.2, NM_006352.5); c.901A>G (NM_205768.2); short protein forms M292V, M301V.
Identifiers: ClinVar variation 1176535 (VCV001176535.36), dbSNP rs1297818384, ClinGen allele CA345673936.

ClinVar aggregate classification (germline): Uncertain significance. Review status: criteria provided, multiple submitters, no conflicts (2 of 4 stars). 3 submissions from 3 submitters: Uncertain significance (3). Last evaluated 2026-02-23.

Conditions:
Intellectual developmental disorder, autosomal dominant 22. Also called: Intellectual disability, autosomal dominant 22. Identifiers: MedGen CN029689, MONDO:0012869, OMIM 612337.
Inborn genetic diseases. Identifiers: MedGen C0950123, MeSH D030342.

Allele frequency attached by ClinVar (database versions not stated): TOPMed below 0.00001; gnomAD 0.00001.
gnomAD v4.1: 1 of 1,614,102 alleles (0.000062%); highest among the groups gnomAD compares: Non-Finnish European, 0.000085%; no homozygotes.

Submissions (3):

Ambry Genetics
Classification: Uncertain significance for Inborn genetic diseases. Last evaluated: 2026-02-23. Review status: criteria provided, single submitter. Criteria: Ambry Variant Classification Scheme 2023. Collection method: clinical testing. Allele origin: germline.

Victorian Clinical Genetics Services, Murdoch Childrens Research Institute
Classification: Uncertain significance for Intellectual developmental disorder, autosomal dominant 22. Last evaluated: 2023-12-21. Review status: criteria provided, single submitter. Criteria: ACMG Guidelines, 2015. Collection method: clinical testing. Allele origin: germline. Inheritance: Autosomal dominant inheritance. Affected: yes.
Comment: Based on the classification scheme VCGS_Germline_v1.3.4, this variant is classified as VUS-3B. Following criteria are met: 0102 - Loss of function is a known mechanism of disease in this gene and is associated with intellectual developmental disorder, autosomal dominant 22 (MIM#612337). (I) 0107 - This gene is associated with autosomal dominant disease. (I) 0200 - Variant is predicted to result in a missense amino acid change from methionine to valine. (I) 0251 - This variant is heterozygous. (I) 0302 - Variant is present in gnomAD (v3) <0.001 for a dominant condition (1 heterozygote, 0 homozygotes). (SP) 0503 - Missense variant consistently predicted to be tolerated by multiple in silico tools or not conserved in placental mammals with a minor amino acid change. (SB) 0604 - Variant is not located in an established domain, motif, hotspot or informative constraint region. (I) 0705 - No comparable missense variants have previous evidence for pathogenicity. (I) 0809 - Previous evidence of pathogenicity for this variant is inconclusive. This variant has been classified as a VUS by a clinical laboratory in ClinVar. (I) 0905 - No published segregation evidence has been identified for this variant. (I) 1007 - No published functional evidence has been identified for this variant. (I) 1208 - Inheritance information for this variant is not currently available in this individual. (I) Legend: (SP) - Supporting pathogenic, (I) - Information, (SB) - Supporting benign

CeGaT Center for Human Genetics Tuebingen
Classification: Uncertain significance. Last evaluated: 2021-04-01. Review status: criteria provided, single submitter. Criteria: CeGaT Center For Human Genetics Tuebingen Variant Classification Criteria Version 2. Collection method: clinical testing. Allele origin: germline. Affected: yes. Observed: 1 variant allele.